The following is an entry in ClinVar:

ClinVar aggregate classification (germline): Uncertain significance (1 of 4 stars; one submission).

Submission:

Labcorp Genetics (formerly Invitae), Labcorp
Classification: Uncertain significance. Last evaluated: 2022-03-20. Review status: criteria provided, single submitter. Criteria: Invitae Variant Classification Sherloc (09022015). Collection method: clinical testing. Allele origin: germline.
Comment: This variant has not been reported in the literature in individuals affected with LIPT1-related conditions. This variant is not present in population databases (gnomAD no frequency). This sequence change replaces glutamic acid, which is acidic and polar, with glycine, which is neutral and non-polar, at codon 322 of the LIPT1 protein (p.Glu322Gly). Algorithms developed to predict the effect of missense changes on protein structure and function (SIFT, PolyPhen-2, Align-GVGD) all suggest that this variant is likely to be tolerated. In summary, the available evidence is currently insufficient to determine the role of this variant in disease. Therefore, it has been classified as a Variant of Uncertain Significance.

NM_145199.3(LIPT1):c.965A>G (p.Glu322Gly)

Genes: LIPT1 (lipoyltransferase 1; plus strand), MITD1 (microtubule interacting and trafficking domain containing 1; minus strand). Cytogenetic location: 2q11.2.
Variant type: single nucleotide variant.
Coding change: c.965A>G on transcript NM_145199.3 (MANE Select); coding-DNA position 965, A replaced by G.
Protein change: p.Glu322Gly; replaces glutamic acid 322 with glycine.
Molecular consequence: missense variant. On other transcripts: non-coding transcript variant (2).
Genome position (GRCh38, 1-based): chr2:99,162,922, A>G. VCF-style: chr2-99162922-A-G. GRCh37 (hg19) VCF-style: chr2-99779385-A-G.
Other names: c.965A>G, p.Glu322Gly (NM_001204830.2, NM_015929.4, NM_145197.3 and 1 more transcripts); short protein forms E322G.
Identifiers: ClinVar variation 2094999 (VCV002094999.4), dbSNP rs1018431516, ClinGen allele CA52676736.
Genomic context (GRCh38, chr2:99,162,922, plus strand): 5'-TAAAGAATGGAAGAATTGAAATTTGTAATATTGAAGCACCTGATCATTGGTTGCCATTGG[A>G]AATACGTGACAAATTAAATTCAAGTCTTATTGGCAGTAAGTTTTGCCCAACTGAAACTAC-3'
Protein context (NP_660200.1, residues 312-332): IEAPDHWLPL[Glu322Gly]IRDKLNSSLI